The following is an entry in ClinVar:

NM_001378452.1(ITPR1):c.4374A>T (p.Lys1458Asn)

Gene: ITPR1 (inositol 1,4,5-trisphosphate receptor type 1; plus strand). Cytogenetic location: 3p26.1.
Variant type: single nucleotide variant.
Coding change: c.4374A>T on transcript NM_001378452.1 (MANE Select); coding-DNA position 4374, A replaced by T.
Protein change: p.Lys1458Asn; replaces lysine 1458 with asparagine.
Molecular consequence: missense variant.
Genome position (GRCh38, 1-based): chr3:4,697,239, A>T. VCF-style: chr3-4697239-A-T. GRCh37 (hg19) VCF-style: chr3-4738923-A-T.
Other names: c.4347A>T, p.Lys1449Asn (NM_001099952.4); c.4329A>T, p.Lys1443Asn (NM_001168272.2); c.4302A>T, p.Lys1434Asn (NM_002222.7); short protein forms K1434N, K1443N, K1449N, K1458N.
Identifiers: ClinVar variation 3898379 (VCV003898379.8).

ClinVar aggregate classification (germline): Uncertain significance. Review status: criteria provided, multiple submitters, no conflicts (2 of 4 stars). 2 submissions from 2 submitters: Uncertain significance (2). Last evaluated 2025-04-01.

gnomAD v4.1: 10 of 1,571,792 alleles (0.00064%); highest among the groups gnomAD compares: Non-Finnish European, 0.00086%; no homozygotes.

Submissions (2):

CeGaT Center for Human Genetics Tuebingen
Classification: Uncertain significance. Last evaluated: 2025-04-01. Review status: criteria provided, single submitter. Criteria: CeGaT Center For Human Genetics Tuebingen Variant Classification Criteria Version 2. Collection method: clinical testing. Allele origin: germline. Affected: yes. Observed: 1 variant allele.
Comment: ITPR1: PM2

Blueprint Genetics
Classification: Uncertain significance. Last evaluated: 2023-05-17. Review status: criteria provided, single submitter. Criteria: ACMG Guidelines, 2015. Collection method: clinical testing. Allele origin: germline.